The following is an entry in ClinVar:

ClinVar aggregate classification (germline): Benign. Review status: criteria provided, multiple submitters, no conflicts (2 of 4 stars). 2 submissions from 2 submitters: Benign (2). Last evaluated 2018-06-14.

Allele frequency attached by ClinVar (database versions not stated): gnomAD exomes 0.16030 and 0.17154; ExAC 0.16469; gnomAD 0.18311 and 0.18643; TOPMed 0.18727; 1000 Genomes Project 0.18910; 1000 Genomes Project 30x 0.19176; ESP Exome Variant Server 0.19752.
gnomAD v4.1: 277,196 of 1,603,080 alleles (17%); highest among the groups gnomAD compares: African/African-American, 23%; 25,093 homozygotes.

Submissions (2):

GeneDx
Classification: Benign. Last evaluated: 2018-06-14. Review status: criteria provided, single submitter. Criteria: GeneDx Variant Classification (06012015). Collection method: clinical testing. Allele origin: germline. Affected: yes.
Comment: This variant is considered likely benign or benign based on one or more of the following criteria: it is a conservative change, it occurs at a poorly conserved position in the protein, it is predicted to be benign by multiple in silico algorithms, and/or has population frequency not consistent with disease.

Breakthrough Genomics
Classification: Benign. Review status: criteria provided, single submitter. Criteria: ACMG Guidelines, 2015. Collection method: not provided. Allele origin: germline. Inheritance: Autosomal recessive inheritance. Affected: yes.

NM_003850.3(SUCLA2):c.1228+51A>G

Gene: SUCLA2 (succinate-CoA ligase ADP-forming subunit beta; minus strand). Cytogenetic location: 13q14.2.
Variant type: single nucleotide variant.
Coding change: c.1228+51A>G on transcript NM_003850.3 (MANE Select); 51 bases into the intron after coding-DNA position 1228, A replaced by G.
Molecular consequence: intron variant.
Genome position (GRCh38, 1-based): chr13:47,949,432, T>C on the plus strand (A>G on the coding strand, the complement: SUCLA2 is on the minus strand). VCF-style: chr13-47949432-T-C. GRCh37 (hg19) VCF-style: chr13-48523567-T-C.
Identifiers: ClinVar variation 676449 (VCV000676449.2), dbSNP rs17425881, ClinGen allele CA6977813.